The following is an entry in ClinVar:

ClinVar aggregate classification (germline): Uncertain significance (1 of 4 stars; one submission).

Conditions:
Familial thoracic aortic aneurysm and aortic dissection (TAAD). Also called: Thoracic aortic aneurysms and dissections. Identifiers: Orphanet 91387, MedGen C4707243, MONDO:0019625.

Submission:

Ambry Genetics
Classification: Uncertain significance for Familial thoracic aortic aneurysm and aortic dissection. Last evaluated: 2023-11-14. Review status: criteria provided, single submitter. Criteria: Ambry Variant Classification Scheme 2023. Collection method: clinical testing. Allele origin: germline.
Comment: The p.N417I variant (also known as c.1250A>T), located in coding exon 12 of the PLOD1 gene, results from an A to T substitution at nucleotide position 1250. The asparagine at codon 417 is replaced by isoleucine, an amino acid with dissimilar properties. This amino acid position is conserved. In addition, this alteration is predicted to be deleterious by in silico analysis. Since supporting evidence is limited at this time, the clinical significance of this alteration remains unclear.

NM_000302.4(PLOD1):c.1250A>T (p.Asn417Ile)

Gene: PLOD1 (procollagen-lysine,2-oxoglutarate 5-dioxygenase 1; plus strand). Cytogenetic location: 1p36.22.
Variant type: single nucleotide variant.
Coding change: c.1250A>T on transcript NM_000302.4 (MANE Select); coding-DNA position 1250, A replaced by T.
Protein change: p.Asn417Ile; replaces asparagine 417 with isoleucine.
Molecular consequence: missense variant.
Genome position (GRCh38, 1-based): chr1:11,964,222, A>T. VCF-style: chr1-11964222-A-T. GRCh37 (hg19) VCF-style: chr1-12024279-A-T.
Other names: c.1391A>T, p.Asn464Ile (NM_001316320.2); short protein forms N417I, N464I.
Identifiers: ClinVar variation 3231121 (VCV003231121.1), dbSNP rs1569721328, ClinGen allele CA338441244.
Genomic context (GRCh38, chr1:11,964,222, plus strand): 5'-TCCCTTCCCTCAGGAACGTCATTGCCCCGCTGATGACCCGGCATGGGAGGCTGTGGTCGA[A>T]CTTCTGGGGGGCTCTCAGTGCAGATGGCTACTATGCCCGTTCCGAGGACTACGTGGACAT-3'
Protein context (NP_000293.2, residues 407-427): LMTRHGRLWS[Asn417Ile]FWGALSADGY